The following is an entry in ClinVar:

NM_020822.3(KCNT1):c.1655T>G (p.Met552Arg)

Gene: KCNT1 (potassium sodium-activated channel subfamily T member 1; plus strand). Cytogenetic location: 9q34.3.
Variant type: single nucleotide variant.
Coding change: c.1655T>G on transcript NM_020822.3 (MANE Select); coding-DNA position 1655, T replaced by G.
Protein change: p.Met552Arg; replaces methionine 552 with arginine.
Molecular consequence: missense variant.
Genome position (GRCh38, 1-based): chr9:135,770,333, T>G. VCF-style: chr9-135770333-T-G. GRCh37 (hg19) VCF-style: chr9-138662179-T-G.
Other names: c.1520T>G, p.Met507Arg (NM_001272003.2); short protein forms M507R, M552R.
Identifiers: ClinVar variation 4782994 (VCV004782994.1).

ClinVar aggregate classification (germline): Uncertain significance (1 of 4 stars; one submission).

Conditions:
Autosomal dominant nocturnal frontal lobe epilepsy 5. Also called: CILIARY DYSKINESIA, PRIMARY, 28, WITHOUT SITUS INVERSUS; CILIARY DYSKINESIA, PRIMARY, 28, WITH SITUS INVERSUS; KCNT1-Related Epilepsy; Epilepsy, nocturnal frontal lobe, 5. Identifiers: Orphanet 98784, MedGen C3554306, MONDO:0014002, OMIM 615005.
Developmental and epileptic encephalopathy, 14 (DEE14). Also called: Early infantile epileptic encephalopathy 14. Identifiers: Orphanet 293181, MedGen C3554195, MONDO:0013989, OMIM 614959.

Submission:

Labcorp Genetics (formerly Invitae), Labcorp
Classification: Uncertain significance for Autosomal dominant nocturnal frontal lobe epilepsy 5; Developmental and epileptic encephalopathy, 14. Last evaluated: 2025-07-03. Review status: criteria provided, single submitter. Criteria: Invitae Variant Classification Sherloc (09022015). Collection method: clinical testing. Allele origin: germline.
Comment: This sequence change replaces methionine, which is neutral and non-polar, with arginine, which is basic and polar, at codon 552 of the KCNT1 protein (p.Met552Arg). This variant is not present in population databases (gnomAD no frequency). This variant has not been reported in the literature in individuals affected with KCNT1-related conditions. Invitae Evidence Modeling of protein sequence and biophysical properties (such as structural, functional, and spatial information, amino acid conservation, physicochemical variation, residue mobility, and thermodynamic stability) indicates that this missense variant is not expected to disrupt KCNT1 protein function with a negative predictive value of 80%. In summary, the available evidence is currently insufficient to determine the role of this variant in disease. Therefore, it has been classified as a Variant of Uncertain Significance.